The following is an entry in ClinVar:

NM_022829.6(SLC13A3):c.835T>C (p.Phe279Leu)

Gene: SLC13A3 (solute carrier family 13 member 3; minus strand). Cytogenetic location: 20q13.12.
Variant type: single nucleotide variant.
Coding change: c.835T>C on transcript NM_022829.6 (MANE Select); coding-DNA position 835, T replaced by C.
Protein change: p.Phe279Leu; replaces phenylalanine 279 with leucine.
Molecular consequence: missense variant. On other transcripts: intron variant (1).
Genome position (GRCh38, 1-based): chr20:46,592,489, A>G on the plus strand (T>C on the coding strand, the complement: SLC13A3 is on the minus strand). VCF-style: chr20-46592489-A-G. GRCh37 (hg19) VCF-style: chr20-45221128-A-G.
Other names: c.694T>C, p.Phe232Leu (NM_001011554.3, NM_001193340.2); c.541T>C, p.Phe181Leu (NM_001193342.2); c.728-43T>C (NM_001193339.2); short protein forms F232L, F279L, F181L.
Identifiers: ClinVar variation 2743357 (VCV002743357.3), dbSNP rs2516607390, ClinGen allele CA409264898.
Genomic context (GRCh38, chr20:46,592,489, plus strand): 5'-AGGAGATCCAGAGCCAGCCTGCCAACAGGAACAACAGCATAAGAGGGAAGGCGAAAATGA[A>G]CCAGGAGCCGAAATTCACCACGTCACACTGCGGAAAGAAACTGGAGAACAGCGGGAGATG-3'
Protein context (NP_073740.2, residues 269-289): QCDVVNFGSW[Phe279Leu]IFAFPLMLLF

ClinVar aggregate classification (germline): Uncertain significance (1 of 4 stars; one submission).

Submission:

Labcorp Genetics (formerly Invitae), Labcorp
Classification: Uncertain significance. Last evaluated: 2023-07-17. Review status: criteria provided, single submitter. Criteria: Invitae Variant Classification Sherloc (09022015). Collection method: clinical testing. Allele origin: germline.
Comment: In summary, the available evidence is currently insufficient to determine the role of this variant in disease. Therefore, it has been classified as a Variant of Uncertain Significance. Advanced modeling of protein sequence and biophysical properties (such as structural, functional, and spatial information, amino acid conservation, physicochemical variation, residue mobility, and thermodynamic stability) performed at Invitae indicates that this missense variant is not expected to disrupt SLC13A3 protein function. This variant has not been reported in the literature in individuals affected with SLC13A3-related conditions. This variant is not present in population databases (gnomAD no frequency). This sequence change replaces phenylalanine, which is neutral and non-polar, with leucine, which is neutral and non-polar, at codon 279 of the SLC13A3 protein (p.Phe279Leu).